The following is an entry in ClinVar:

NM_003998.4(NFKB1):c.308del (p.Asn103fs)

Gene: NFKB1 (nuclear factor kappa B subunit 1; plus strand). Cytogenetic location: 4q24.
Variant type: Deletion.
Coding change: c.308del on transcript NM_003998.4 (MANE Select); coding-DNA position 308, one base deleted (A; older notation c.308delA).
Protein change: p.Asn103fs; shifts the reading frame from asparagine 103.
Molecular consequence: frameshift variant.
Genome position (GRCh38, 1-based): chr4:102,567,036, A deleted; the last of 3 consecutive A bases (chr4:102,567,034-102,567,036); deleting any one gives the same sequence. VCF-style (leftmost placement, unchanged base first): chr4-102567033-CA-C. GRCh37 (hg19) VCF-style: chr4-103488190-CA-C.
Other names: c.305del, p.Asn102fs (NM_001165412.2, NM_001319226.2, NM_001382627.1); c.308del, p.Asn103fs (NM_001382625.1, NM_001382626.1); c.266del, p.Asn89fs (NM_001382628.1); short protein forms N103fs, N102fs, N89fs.
Identifiers: ClinVar variation 2083709 (VCV002083709.4), dbSNP rs2476350553, ClinGen allele CA2580071339.

ClinVar aggregate classification (germline): Pathogenic (1 of 4 stars; one submission).

Submission:

Labcorp Genetics (formerly Invitae), Labcorp
Classification: Pathogenic. Last evaluated: 2022-07-19. Review status: criteria provided, single submitter. Criteria: Invitae Variant Classification Sherloc (09022015). Collection method: clinical testing. Allele origin: germline.
Comment: For these reasons, this variant has been classified as Pathogenic. This variant has not been reported in the literature in individuals affected with NFKB1-related conditions. This variant is not present in population databases (gnomAD no frequency). This sequence change creates a premature translational stop signal (p.Asn103Metfs*24) in the NFKB1 gene. It is expected to result in an absent or disrupted protein product. Loss-of-function variants in NFKB1 are known to be pathogenic (PMID: 26279205, 29477724).

Literature cited by the submitters: PubMed 26279205; PubMed 29477724.